The following is an entry in ClinVar:

NM_145059.3(FCSK):c.1604C>T (p.Pro535Leu)

Gene: FCSK (fucose kinase; plus strand). Cytogenetic location: 16q22.1.
Variant type: single nucleotide variant.
Coding change: c.1604C>T on transcript NM_145059.3 (MANE Select); coding-DNA position 1604, C replaced by T.
Protein change: p.Pro535Leu; replaces proline 535 with leucine.
Molecular consequence: missense variant.
Genome position (GRCh38, 1-based): chr16:70,473,180, C>T. VCF-style: chr16-70473180-C-T. GRCh37 (hg19) VCF-style: chr16-70507083-C-T.
Other names: c.1604C>T (NM_145059.2); short protein forms P535L.
Identifiers: ClinVar variation 2699553 (VCV002699553.4), dbSNP rs771865088, ClinGen allele CA8143386.

ClinVar aggregate classification (germline): Uncertain significance. Review status: criteria provided, multiple submitters, no conflicts (2 of 4 stars). 2 submissions from 2 submitters: Uncertain significance (2). Last evaluated 2025-09-02.

Allele frequency attached by ClinVar (database versions not stated): TOPMed 0.00005; ExAC 0.00015; 1000 Genomes Project 30x 0.00031; gnomAD exomes 0.00010; gnomAD 0.00004.
gnomAD v4.1: 141 of 1,541,250 alleles (0.0091%); highest among the groups gnomAD compares: Non-Finnish European, 0.011%; no homozygotes.

Submissions (2):

Labcorp Genetics (formerly Invitae), Labcorp
Classification: Uncertain significance. Last evaluated: 2025-09-02. Review status: criteria provided, single submitter. Criteria: Invitae Variant Classification Sherloc (09022015). Collection method: clinical testing. Allele origin: germline.
Comment: This sequence change replaces proline, which is neutral and non-polar, with leucine, which is neutral and non-polar, at codon 535 of the FUK protein (p.Pro535Leu). This variant is present in population databases (rs771865088, gnomAD 0.02%). This variant has not been reported in the literature in individuals affected with FUK-related conditions. ClinVar contains an entry for this variant (Variation ID: 2699553). An algorithm developed to predict the effect of missense changes on protein structure and function outputs the following: PolyPhen-2: "Benign". The leucine amino acid residue is found in multiple mammalian species, which suggests that this missense change does not adversely affect protein function. In summary, the available evidence is currently insufficient to determine the role of this variant in disease. Therefore, it has been classified as a Variant of Uncertain Significance.

Ambry Genetics
Classification: Uncertain significance. Last evaluated: 2022-07-13. Review status: criteria provided, single submitter. Criteria: Ambry Variant Classification Scheme 2023. Collection method: clinical testing. Allele origin: germline.